The following is an entry in ClinVar:

NM_001384732.1(CPLANE1):c.6108G>C (p.Gln2036His)

Gene: CPLANE1 (ciliogenesis and planar polarity effector complex subunit 1; minus strand). Cytogenetic location: 5p13.2.
Variant type: single nucleotide variant.
Coding change: c.6108G>C on transcript NM_001384732.1 (MANE Select); coding-DNA position 6108, G replaced by C.
Protein change: p.Gln2036His; replaces glutamine 2036 with histidine.
Molecular consequence: missense variant.
Genome position (GRCh38, 1-based): chr5:37,173,818, C>G on the plus strand (G>C on the coding strand, the complement: CPLANE1 is on the minus strand). VCF-style: chr5-37173818-C-G. GRCh37 (hg19) VCF-style: chr5-37173920-C-G.
Other names: c.6108G>C, p.Gln2036His (NM_023073.4); c.6108G>C (NM_023073.3); short protein forms Q2036H.
Identifiers: ClinVar variation 2073507 (VCV002073507.5), dbSNP rs759938964, ClinGen allele CA3238342.
Genomic context (GRCh38, chr5:37,173,818, plus strand): 5'-AACTAATTTAAACATTTCATCTTGCAGCATCTGCCTAACGGACTCCGAACAATCTGGTAA[C>G]TGAGCCGTGAATTCATTTCTCTGGGTCTTCTGAGGTGTTGGAGCAGGTGGTTGTGAAGCA-3'
Protein context (NP_001371661.1, residues 2026-2046): QKTQRNEFTA[Gln2036His]LPDCSESVRQ

ClinVar aggregate classification (germline): Uncertain significance. Review status: criteria provided, multiple submitters, no conflicts (2 of 4 stars). 3 submissions from 3 submitters: Uncertain significance (3). Last evaluated 2024-09-06.

Conditions:
Orofaciodigital syndrome type 6 (OFD6). Also called: OROFACIODIGITAL SYNDROME VI; OFDS VI; POLYDACTYLY, CLEFT LIP/PALATE OR LINGUAL LUMP, AND PSYCHOMOTOR RETARDATION; VARADI SYNDROME; VARADI-PAPP SYNDROME; Oral-facial-digital syndrome type 6. Identifiers: Orphanet 2754, MedGen C2745997, MONDO:0010176, OMIM 277170.
Joubert syndrome 17 (JBTS17). Identifiers: Orphanet 475, MedGen C3553264, MONDO:0013824, OMIM 614615.

Allele frequency attached by ClinVar (database versions not stated): gnomAD exomes below 0.00001; ExAC 0.00001; gnomAD 0.00001; TOPMed 0.00001.
gnomAD v4.1: 6 of 1,613,996 alleles (0.00037%); highest among the groups gnomAD compares: Admixed American, 0.0017%; no homozygotes.

Submissions (3):

Blueprint Genetics
Classification: Uncertain significance. Last evaluated: 2024-09-06. Review status: criteria provided, single submitter. Criteria: ACMG Guidelines, 2015. Collection method: clinical testing. Allele origin: germline.

Fulgent Genetics
Classification: Uncertain significance for Orofaciodigital syndrome type 6; Joubert syndrome 17. Last evaluated: 2024-06-04. Review status: criteria provided, single submitter. Criteria: ACMG Guidelines, 2015. Collection method: clinical testing. Allele origin: germline.

Labcorp Genetics (formerly Invitae), Labcorp
Classification: Uncertain significance. Last evaluated: 2022-08-08. Review status: criteria provided, single submitter. Criteria: Invitae Variant Classification Sherloc (09022015). Collection method: clinical testing. Allele origin: germline.
Comment: In summary, the available evidence is currently insufficient to determine the role of this variant in disease. Therefore, it has been classified as a Variant of Uncertain Significance. Advanced modeling of protein sequence and biophysical properties (such as structural, functional, and spatial information, amino acid conservation, physicochemical variation, residue mobility, and thermodynamic stability) performed at Invitae indicates that this missense variant is not expected to disrupt CPLANE1 protein function. This variant has not been reported in the literature in individuals affected with CPLANE1-related conditions. This variant is present in population databases (rs759938964, gnomAD 0.003%). This sequence change replaces glutamine, which is neutral and polar, with histidine, which is basic and polar, at codon 2036 of the CPLANE1 protein (p.Gln2036His).